The following is an entry in ClinVar:

NM_031935.3(HMCN1):c.10064T>C (p.Leu3355Ser)

Gene: HMCN1 (hemicentin 1; plus strand). Cytogenetic location: 1q31.1.
Variant type: single nucleotide variant.
Coding change: c.10064T>C on transcript NM_031935.3 (MANE Select); coding-DNA position 10064, T replaced by C.
Protein change: p.Leu3355Ser; replaces leucine 3355 with serine.
Molecular consequence: missense variant.
Genome position (GRCh38, 1-based): chr1:186,093,537, T>C. VCF-style: chr1-186093537-T-C. GRCh37 (hg19) VCF-style: chr1-186062669-T-C.
Other names: c.10064T>C (NM_031935.2); short protein forms L3355S.
Identifiers: ClinVar variation 1557935 (VCV001557935.11), dbSNP rs146143836, ClinGen allele CA1293635.
Genomic context (GRCh38, chr1:186,093,537, plus strand): 5'-ACAACATAGTTACACCTACAATTAGGGGTAATAAAGATGAAGCAGAGAAACTAATGACTT[T>C]AGTGGATACTTCAATAAATATTGAATGCAGAGCCACAGGGACGCCTCCACCACAGATAAA-3'
Protein context (NP_114141.2, residues 3345-3365): NKDEAEKLMT[Leu3355Ser]VDTSINIECR

ClinVar aggregate classification (germline): Conflicting classifications of pathogenicity. Review status: criteria provided, conflicting classifications (1 of 4 stars). 3 submissions from 3 submitters: Uncertain significance (1); Likely benign (1). 1 of the submissions does not count toward it. Last evaluated 2026-01-05.

Conditions:
HMCN1-related disorder. Also called: HMCN1-related condition.

Allele frequency attached by ClinVar (database versions not stated): gnomAD exomes 0.00008 and 0.00027; ExAC 0.00030; 1000 Genomes Project 30x 0.00047; 1000 Genomes Project 0.00060; gnomAD 0.00101 and 0.00110; TOPMed 0.00122; ESP Exome Variant Server 0.00123.
gnomAD v4.1: 282 of 1,613,452 alleles (0.017%); highest among the groups gnomAD compares: African/African-American, 0.34%; no homozygotes.

Submissions (3):

Labcorp Genetics (formerly Invitae), Labcorp
Classification: Likely benign. Last evaluated: 2026-01-05. Review status: criteria provided, single submitter. Criteria: Invitae Variant Classification Sherloc (09022015). Collection method: clinical testing. Allele origin: germline.

Ambry Genetics
Classification: Uncertain significance. Last evaluated: 2025-08-24. Review status: criteria provided, single submitter. Criteria: Ambry Variant Classification Scheme 2023. Collection method: clinical testing. Allele origin: germline.

PreventionGenetics, part of Exact Sciences
Classification: Likely benign for HMCN1-related condition. Last evaluated: 2019-07-25. Review status: no assertion criteria provided. Collection method: clinical testing. Allele origin: germline. Not counted in ClinVar's aggregate classification.
Comment: This variant is classified as likely benign based on ACMG/AMP sequence variant interpretation guidelines (Richards et al. 2015 PMID: 25741868, with internal and published modifications).